The following is an entry in ClinVar:

NM_006506.5(RASA2):c.1814A>G (p.His605Arg)

Gene: RASA2 (RAS p21 protein activator 2; plus strand). Cytogenetic location: 3q23.
Variant type: single nucleotide variant.
Coding change: c.1814A>G on transcript NM_006506.5 (MANE Select); coding-DNA position 1814, A replaced by G.
Protein change: p.His605Arg; replaces histidine 605 with arginine.
Molecular consequence: missense variant.
Genome position (GRCh38, 1-based): chr3:141,586,086, A>G. VCF-style: chr3-141586086-A-G. GRCh37 (hg19) VCF-style: chr3-141304928-A-G.
Other names: c.1814A>G, p.His605Arg (NM_001303245.3, NM_001303246.3); c.1814A>G (NM_006506.2); short protein forms H605R.
Identifiers: ClinVar variation 2038459 (VCV002038459.5), dbSNP rs2083197009, ClinGen allele CA354781864.

ClinVar aggregate classification (germline): Uncertain significance. Review status: criteria provided, multiple submitters, no conflicts (2 of 4 stars). 2 submissions from 2 submitters: Uncertain significance (2). Last evaluated 2025-01-27.

Allele frequency attached by ClinVar (database versions not stated): TOPMed below 0.00001.

Submissions (2):

Ambry Genetics
Classification: Uncertain significance. Last evaluated: 2025-01-27. Review status: criteria provided, single submitter. Criteria: Ambry Variant Classification Scheme 2023. Collection method: clinical testing. Allele origin: germline.
Comment: The p.H605R variant (also known as c.1814A>G), located in coding exon 18 of the RASA2 gene, results from an A to G substitution at nucleotide position 1814. The histidine at codon 605 is replaced by arginine, an amino acid with highly similar properties. This amino acid position is conserved. In addition, the in silico prediction for this alteration is inconclusive. Based on the available evidence, the clinical significance of this variant remains unclear.

Labcorp Genetics (formerly Invitae), Labcorp
Classification: Uncertain significance. Last evaluated: 2024-10-17. Review status: criteria provided, single submitter. Criteria: Invitae Variant Classification Sherloc (09022015). Collection method: clinical testing. Allele origin: germline.
Comment: This sequence change replaces histidine, which is basic and polar, with arginine, which is basic and polar, at codon 605 of the RASA2 protein (p.His605Arg). This variant is not present in population databases (gnomAD no frequency). This variant has not been reported in the literature in individuals affected with RASA2-related conditions. ClinVar contains an entry for this variant (Variation ID: 2038459). Invitae Evidence Modeling of protein sequence and biophysical properties (such as structural, functional, and spatial information, amino acid conservation, physicochemical variation, residue mobility, and thermodynamic stability) indicates that this missense variant is not expected to disrupt RASA2 protein function with a negative predictive value of 80%. In summary, the available evidence is currently insufficient to determine the role of this variant in disease. Therefore, it has been classified as a Variant of Uncertain Significance.